The following is an entry in ClinVar:

NM_001005361.3(DNM2):c.*386G>C

Gene: DNM2 (dynamin 2; plus strand). Cytogenetic location: 19p13.2.
Variant type: single nucleotide variant.
Coding change: c.*386G>C on transcript NM_001005361.3 (MANE Select); 386 bases downstream of the stop codon, G replaced by C.
Molecular consequence: 3 prime UTR variant.
Genome position (GRCh38, 1-based): chr19:10,831,433, G>C. VCF-style: chr19-10831433-G-C. GRCh37 (hg19) VCF-style: chr19-10942109-G-C.
Other names: c.*386G>C (NM_001005360.3, NM_001005362.3, NM_001190716.2 and 1 more transcripts).
Identifiers: ClinVar variation 328008 (VCV000328008.5), dbSNP rs74952080, ClinGen allele CA10648193.

ClinVar aggregate classification (germline): Benign. Review status: criteria provided, single submitter (1 of 4 stars). 2 submissions from 1 submitter: Benign (2). Last evaluated 2018-01-13.

Conditions:
Autosomal dominant centronuclear myopathy. Also called: MYOTUBULAR MYOPATHY, AUTOSOMAL DOMINANT; Myopathy, centronuclear, 3. Identifiers: Orphanet 169189, MedGen C4551952, MeSH D020914, MONDO:0008048, OMIM 160150.
Charcot-Marie-Tooth disease dominant intermediate B (CMTDIB). Also called: CHARCOT-MARIE-TOOTH NEUROPATHY, DOMINANT INTERMEDIATE B; Charcot-Marie-Tooth disease dominant intermediate 1; CMT DI1; Charcot-Marie-Tooth disease dominant intermediate I. Identifiers: Orphanet 100044, Orphanet 228179, MedGen C1847902, MONDO:0011674, OMIM 606482.

Allele frequency attached by ClinVar (database versions not stated): TOPMed 0.01005; 1000 Genomes Project 0.01478; 1000 Genomes Project 30x 0.01530.

Submissions (2):

Illumina Laboratory Services, Illumina
Classification: Benign for Autosomal dominant centronuclear myopathy. Last evaluated: 2018-01-13. Review status: criteria provided, single submitter. Criteria: ICSL Variant Classification Criteria 13 December 2019. Collection method: clinical testing. Allele origin: germline.
Comment: This variant was observed in the ICSL laboratory as part of a predisposition screen in an ostensibly healthy population. It had not been previously curated by ICSL or reported in the Human Gene Mutation Database (HGMD: prior to June 1st, 2018), and was therefore a candidate for classification through an automated scoring system. Utilizing variant allele frequency, disease prevalence and penetrance estimates, and inheritance mode, an automated score was calculated to assess if this variant is too frequent to cause the disease. Based on the score and internal cut-off values, a variant classified as benign is not then subjected to further curation. The score for this variant resulted in a classification of benign for this disease.

Illumina Laboratory Services, Illumina
Classification: Benign for Charcot-Marie-Tooth disease dominant intermediate B. Last evaluated: 2018-01-13. Review status: criteria provided, single submitter. Criteria: ICSL Variant Classification Criteria 13 December 2019. Collection method: clinical testing. Allele origin: germline.
Comment: the same text as in the submission from Illumina Laboratory Services, Illumina above.